The following is an entry in ClinVar:

ClinVar aggregate classification (germline): Pathogenic (1 of 4 stars; one submission).

Submission:

Labcorp Genetics (formerly Invitae), Labcorp
Classification: Pathogenic. Last evaluated: 2023-12-09. Review status: criteria provided, single submitter. Criteria: Invitae Variant Classification Sherloc (09022015). Collection method: clinical testing. Allele origin: germline.
Comment: This variant is a gross deletion of the genomic region encompassing exon(s) 1-2 of the EIF2B1 gene, which includes the initiator codon. This deletion extends beyond the assayed region for this gene and therefore may encompass additional genes. It is expected to result in an absent or disrupted protein product. Loss-of-function variants in EIF2B1 are known to be pathogenic (PMID: 11835386, 32865661). This variant has not been reported in the literature in individuals affected with EIF2B1-related conditions. For these reasons, this variant has been classified as Pathogenic.

Literature cited by the submitters: PubMed 11835386; PubMed 32865661.

NC_000012.11:g.(?_124116872)_(124118104_?)del

Gene: EIF2B1 (eukaryotic translation initiation factor 2B subunit alpha; minus strand). Cytogenetic location: 12q24.31.
Variant type: Deletion.
Identifiers: ClinVar variation 2424164 (VCV002424164.3).